The following is an entry in ClinVar:

NM_000051.4(ATM):c.4726A>G (p.Ile1576Val)

Gene: ATM (ATM serine/threonine kinase; plus strand). Cytogenetic location: 11q22.3.
Variant type: single nucleotide variant.
Coding change: c.4726A>G on transcript NM_000051.4 (MANE Select); coding-DNA position 4726, A replaced by G.
Protein change: p.Ile1576Val; replaces isoleucine 1576 with valine.
Molecular consequence: missense variant.
Genome position (GRCh38, 1-based): chr11:108,293,427, A>G. VCF-style: chr11-108293427-A-G. GRCh37 (hg19) VCF-style: chr11-108164154-A-G.
Other names: c.4726A>G, p.Ile1576Val (NM_001351834.2); short protein forms I1576V.
Identifiers: ClinVar variation 923400 (VCV000923400.9), dbSNP rs2082921955, ClinGen allele CA382534985.
Genomic context (GRCh38, chr11:108,293,427, plus strand): 5'-TATATCACGATTAAGCTTTTAGATCCTTTTCCTGACCATGTTGTTTTTAAGGATTTGCGT[A>G]TTACTCAGCAAAAAATCAAATACAGTAGAGGACCCTTTTCACTCTTGGAGGTAATAAAAA-3'
Protein context (NP_000042.3, residues 1566-1586): PDHVVFKDLR[Ile1576Val]TQQKIKYSRG

ClinVar aggregate classification (germline): Uncertain significance. Review status: criteria provided, multiple submitters, no conflicts (2 of 4 stars). 3 submissions from 3 submitters: Uncertain significance (3). Last evaluated 2025-04-24.

Conditions:
Hereditary cancer-predisposing syndrome. Also called: Hereditary Cancer Syndrome; Hereditary neoplastic syndrome; Neoplastic Syndromes, Hereditary; Tumor predisposition. Identifiers: Orphanet 140162, MedGen C0027672, MeSH D009386, MONDO:0015356.
Ataxia-telangiectasia syndrome (AT). Also called: Ataxia-telangiectasia, complementation group E; LOUIS-BAR SYNDROME; Cerebello-oculocutaneous telangiectasia; Immunodeficiency with ataxia telangiectasia; Ataxia-telangiectasia, complementation group D; AT, COMPLEMENTATION GROUP C. Identifiers: Orphanet 100, MedGen C0004135, MONDO:0008840, OMIM 208900.

Submissions (3):

Labcorp Genetics (formerly Invitae), Labcorp
Classification: Uncertain significance for Ataxia-telangiectasia syndrome. Last evaluated: 2025-04-24. Review status: criteria provided, single submitter. Criteria: Invitae Variant Classification Sherloc (09022015). Collection method: clinical testing. Allele origin: germline.
Comment: This sequence change replaces isoleucine, which is neutral and non-polar, with valine, which is neutral and non-polar, at codon 1576 of the ATM protein (p.Ile1576Val). This variant is not present in population databases (gnomAD no frequency). This variant has not been reported in the literature in individuals affected with ATM-related conditions. ClinVar contains an entry for this variant (Variation ID: 923400). Invitae Evidence Modeling of protein sequence and biophysical properties (such as structural, functional, and spatial information, amino acid conservation, physicochemical variation, residue mobility, and thermodynamic stability) indicates that this missense variant is not expected to disrupt ATM protein function with a negative predictive value of 95%. In summary, the available evidence is currently insufficient to determine the role of this variant in disease. Therefore, it has been classified as a Variant of Uncertain Significance.

Color Diagnostics, LLC DBA Color Health
Classification: Uncertain significance for Hereditary cancer-predisposing syndrome. Last evaluated: 2023-12-05. Review status: criteria provided, single submitter. Criteria: ACMG Guidelines, 2015. Collection method: clinical testing. Allele origin: germline.
Comment: This missense variant replaces isoleucine with valine at codon 1576 of the ATM protein. Computational prediction suggests that this variant may not impact protein structure and function (internally defined REVEL score threshold <= 0.5, PMID: 27666373). To our knowledge, functional studies have not been reported for this variant. This variant has not been reported in individuals affected with ATM-related disorders in the literature. This variant has not been identified in the general population by the Genome Aggregation Database (gnomAD). The available evidence is insufficient to determine the role of this variant in disease conclusively. Therefore, this variant is classified as a Variant of Uncertain Significance.

Ambry Genetics
Classification: Uncertain significance for Hereditary cancer-predisposing syndrome. Last evaluated: 2023-07-12. Review status: criteria provided, single submitter. Criteria: Ambry Variant Classification Scheme 2023. Collection method: clinical testing. Allele origin: germline.
Comment: The p.I1576V variant (also known as c.4726A>G), located in coding exon 30 of the ATM gene, results from an A to G substitution at nucleotide position 4726. The isoleucine at codon 1576 is replaced by valine, an amino acid with highly similar properties. This amino acid position is conserved. In addition, this alteration is predicted to be tolerated by in silico analysis. Since supporting evidence is limited at this time, the clinical significance of this alteration remains unclear.